The following is an entry in ClinVar:

NM_002230.4(JUP):c.468G>T (p.Pro156=)

Gene: JUP (junction plakoglobin; minus strand). Cytogenetic location: 17q21.2.
Variant type: single nucleotide variant.
Coding change: c.468G>T on transcript NM_002230.4 (MANE Select); coding-DNA position 468, G replaced by T.
Protein change: p.Pro156=; no amino-acid change (proline 156 retained).
Molecular consequence: synonymous variant.
Genome position (GRCh38, 1-based): chr17:41,769,418, C>A on the plus strand (G>T on the coding strand, the complement: JUP is on the minus strand). VCF-style: chr17-41769418-C-A. GRCh37 (hg19) VCF-style: chr17-39925670-C-A.
Other names: c.468G>T, p.Pro156= (NM_021991.4, NM_001352773.2, NM_001352774.2 and 3 more transcripts).
Identifiers: ClinVar variation 3762359 (VCV003762359.2).

ClinVar aggregate classification (germline): Uncertain significance (1 of 4 stars; one submission).

Conditions:
Arrhythmogenic right ventricular dysplasia 12. Also called: ARRHYTHMOGENIC RIGHT VENTRICULAR DYSPLASIA, FAMILIAL, 12. Identifiers: MedGen C1969081, MONDO:0012684, OMIM 611528.
Naxos disease (NXD). Also called: CARDIOMYOPATHY, ARRHYTHMOGENIC RIGHT VENTRICULAR, WITH SKIN, HAIR, AND NAIL ABNORMALITIES; KERATOSIS PALMOPLANTARIS WITH ARRHYTHMOGENIC CARDIOMYOPATHY; MAL DE NAXOS; PALMOPLANTAR KERATODERMA WITH ARRHYTHMOGENIC RIGHT VENTRICULAR CARDIOMYOPATHY AND WOOLLY HAIR; WOOLLY HAIR, PALMOPLANTAR KERATODERMA, AND CARDIAC ABNORMALITIES. Identifiers: Orphanet 34217, MedGen C1832600, MONDO:0011017, OMIM 601214.

Submission:

Labcorp Genetics (formerly Invitae), Labcorp
Classification: Uncertain significance for Arrhythmogenic right ventricular dysplasia 12; Naxos disease. Last evaluated: 2024-10-01. Review status: criteria provided, single submitter. Criteria: Invitae Variant Classification Sherloc (09022015). Collection method: clinical testing. Allele origin: germline.
Comment: This sequence change affects codon 156 of the JUP mRNA. It is a 'silent' change, meaning that it does not change the encoded amino acid sequence of the JUP protein. This variant also falls at the last nucleotide of exon 3, which is part of the consensus splice site for this exon. The frequency data for this variant in the population databases is considered unreliable, as metrics indicate poor data quality at this position in the gnomAD database. This variant has not been reported in the literature in individuals affected with JUP-related conditions. Variants that disrupt the consensus splice site are a relatively common cause of aberrant splicing (PMID: 17576681, 9536098). Algorithms developed to predict the effect of sequence changes on RNA splicing suggest that this variant may disrupt the consensus splice site. In summary, the available evidence is currently insufficient to determine the role of this variant in disease. Therefore, it has been classified as a Variant of Uncertain Significance.

Literature cited by the submitters: PubMed 17576681; PubMed 9536098.